The following is an entry in ClinVar:

NM_001170629.2(CHD8):c.6243TTC[3] (p.Ser2094del)

Gene: CHD8 (chromodomain helicase DNA binding protein 8; minus strand). Cytogenetic location: 14q11.2.
Variant type: Microsatellite.
Coding change: c.6243TTC[3] on transcript NM_001170629.2 (MANE Select); three copies in a row of the 3-base unit TTC starting at c.6243; the reference has four copies in a row; one copy, 3 bases deleted; also written c.6252_6254del.
Protein change: p.Ser2094del; deletes serine 2094.
Molecular consequence: inframe deletion.
Genome position (GRCh38, 1-based): chr14:21,393,541-21,393,543, GAA deleted on the plus strand (TTC on the coding strand, the reverse complement: CHD8 is on the minus strand); deleting any 3 consecutive bases within chr14:21,393,541-21,393,554 gives the same sequence; the position shown is the placement nearest the transcript's 3' end. VCF-style (leftmost placement, unchanged base first): chr14-21393540-GGAA-G. GRCh37 (hg19) VCF-style: chr14-21861699-GGAA-G.
Other names: c.6252_6254del (NM_001170629.2); c.5406TTC[3], p.Ser1815del (NM_020920.4); short protein forms S1815del, S2094del.
Identifiers: ClinVar variation 1254644 (VCV001254644.12), dbSNP rs150254629, ClinGen allele CA7090817.

ClinVar aggregate classification (germline): Conflicting classifications of pathogenicity. Review status: criteria provided, conflicting classifications (1 of 4 stars). 4 submissions from 4 submitters: Uncertain significance (2); Likely benign (2). Last evaluated 2025-10-30.

Conditions:
Intellectual developmental disorder with autism and macrocephaly. Also called: CHD8-Related Neurodevelopmental Disorder with Overgrowth; Autism, susceptibility to, 18. Identifiers: Orphanet 642675, MedGen C3554373, MONDO:0014017, OMIM 615032.

Submissions (4):

Dasa
Classification: Likely benign. Last evaluated: 2025-10-30. Review status: criteria provided, single submitter. Criteria: DASA Assertion Criteria. Collection method: clinical testing. Allele origin: germline.
Comment: NM_001170629.2(CHD8):c.6252_6254del (p.Ser2094del) is an in-frame deletion predicted to remove serine at protein position 2094 without shifting the reading frame. The variant context is inconsistent with a known disease-causing mechanism. Computational prediction algorithms are consistent with a benign effect. Therefore, based on the currently available evidence, this variant is classified as likely benign.

Labcorp Genetics (formerly Invitae), Labcorp
Classification: Uncertain significance. Last evaluated: 2025-05-02. Review status: criteria provided, single submitter. Criteria: Invitae Variant Classification Sherloc (09022015). Collection method: clinical testing. Allele origin: germline.
Comment: This variant, c.6252_6254del, results in the deletion of 1 amino acid(s) of the CHD8 protein (p.Ser2094del), but otherwise preserves the integrity of the reading frame. The frequency data for this variant in the population databases is considered unreliable, as metrics indicate poor data quality at this position in the gnomAD database. This variant has not been reported in the literature in individuals affected with CHD8-related conditions. ClinVar contains an entry for this variant (Variation ID: 1254644). Experimental studies and prediction algorithms are not available or were not evaluated, and the functional significance of this variant is currently unknown. In summary, the available evidence is currently insufficient to determine the role of this variant in disease. Therefore, it has been classified as a Variant of Uncertain Significance.

Revvity Omics, Revvity
Classification: Uncertain significance for Intellectual developmental disorder with autism and macrocephaly. Last evaluated: 2023-11-03. Review status: criteria provided, single submitter. Criteria: ACMG Guidelines, 2015. Collection method: clinical testing. Allele origin: germline.

GeneDx
Classification: Likely benign. Last evaluated: 2021-03-12. Review status: criteria provided, single submitter. Criteria: GeneDx Variant Classification Process June 2021. Collection method: clinical testing. Allele origin: germline. Affected: yes.